The following is an entry in ClinVar:

NM_001854.4(COL11A1):c.2077C>G (p.Gln693Glu)

Gene: COL11A1 (collagen type XI alpha 1 chain; minus strand). Cytogenetic location: 1p21.1.
Variant type: single nucleotide variant.
Coding change: c.2077C>G on transcript NM_001854.4 (MANE Select); coding-DNA position 2077, C replaced by G.
Protein change: p.Gln693Glu; replaces glutamine 693 with glutamic acid.
Molecular consequence: missense variant. On other transcripts: non-coding transcript variant (1).
Genome position (GRCh38, 1-based): chr1:103,002,448, G>C on the plus strand (C>G on the coding strand, the complement: COL11A1 is on the minus strand). VCF-style: chr1-103002448-G-C. GRCh37 (hg19) VCF-style: chr1-103468004-G-C.
Other names: c.1960C>G, p.Gln654Glu (NM_001190709.2); c.2113C>G, p.Gln705Glu (NM_080629.3); c.1729C>G, p.Gln577Glu (NM_080630.4); short protein forms Q577E, Q654E, Q693E, Q705E.
Identifiers: ClinVar variation 3624552 (VCV003624552.2).

ClinVar aggregate classification (germline): Uncertain significance (1 of 4 stars; one submission).

gnomAD v4.1: 44 of 1,610,048 alleles (0.0027%); highest among the groups gnomAD compares: Non-Finnish European, 0.0036%; no homozygotes.

Submission:

Labcorp Genetics (formerly Invitae), Labcorp
Classification: Uncertain significance. Last evaluated: 2025-11-28. Review status: criteria provided, single submitter. Criteria: Invitae Variant Classification Sherloc (09022015). Collection method: clinical testing. Allele origin: germline.
Comment: This sequence change replaces glutamine, which is neutral and polar, with glutamic acid, which is acidic and polar, at codon 693 of the COL11A1 protein (p.Gln693Glu). This variant is not present in population databases (gnomAD no frequency). This variant has not been reported in the literature in individuals affected with COL11A1-related conditions. ClinVar contains an entry for this variant (Variation ID: 3624552). Invitae Evidence Modeling of protein sequence and biophysical properties (such as structural, functional, and spatial information, amino acid conservation, physicochemical variation, residue mobility, and thermodynamic stability) has been performed for this missense variant. However, the output from this modeling did not meet the statistical confidence thresholds required to predict the impact of this variant on COL11A1 protein function. In summary, the available evidence is currently insufficient to determine the role of this variant in disease. Therefore, it has been classified as a Variant of Uncertain Significance.